The following is an entry in ClinVar:

ClinVar aggregate classification (germline): Conflicting classifications of pathogenicity. Review status: criteria provided, conflicting classifications (1 of 4 stars). 14 submissions from 10 submitters: Uncertain significance (3); Benign (7); Likely benign (4). Last evaluated 2026-02-02.

Conditions:
Autosomal recessive limb-girdle muscular dystrophy type 2J (LGMDR10). Also called: Limb-girdle muscular dystrophy, type 2J; MUSCULAR DYSTROPHY, LIMB-GIRDLE, AUTOSOMAL RECESSIVE 10. Identifiers: Orphanet 140922, MedGen C1837342, MONDO:0012127, OMIM 608807.
Dilated cardiomyopathy 1G (CMD1G). Identifiers: Orphanet 154, MedGen C1858763, MONDO:0011400, OMIM 604145.
Cardiovascular phenotype. Identifiers: MedGen CN230736.
Cardiomyopathy (CMYO). Also called: Cardiomyopathies. Identifiers: Orphanet 167848, MedGen C0878544, MONDO:0004994, HP:0001638. Inheritance: Various modes of inheritance.
Early-onset myopathy with fatal cardiomyopathy (CMYO5). Also called: CONGENITAL MYOPATHY 5 WITH CARDIOMYOPATHY; Salih Myopathy. Identifiers: Orphanet 289377, MedGen C2673677, MONDO:0012714, OMIM 611705. Disease mechanism: loss of function.
Myopathy, myofibrillar, 9, with early respiratory failure (MFM9). Also called: Myopathy, distal, with early respiratory failure, autosomal dominant; MYOPATHY, PROXIMAL, WITH EARLY RESPIRATORY MUSCLE INVOLVEMENT; EDSTROM MYOPATHY; Hereditary myopathy with early respiratory failure. Identifiers: Orphanet 178464, Orphanet 34521, MedGen C1863599, MONDO:0011362, OMIM 603689.
Tibial muscular dystrophy (TMD). Also called: Udd Distal Myopathy – Tibial Muscular Dystrophy; UDD MYOPATHY; Tibial muscular dystrophy, tardive. Identifiers: Orphanet 609, MedGen C1838244, MONDO:0010870, OMIM 600334.
Hypertrophic cardiomyopathy. Also called: HYPERTROPHIC MYOCARDIOPATHY. Identifiers: Orphanet 217569, MedGen C0007194, MeSH D002312, MONDO:0005045, HP:0001639.

Allele frequency attached by ClinVar (database versions not stated): gnomAD 0.00039 and 0.00052; TOPMed 0.00065; ExAC 0.00067; gnomAD exomes 0.00075; 1000 Genomes Project 30x 0.00312; 1000 Genomes Project 0.00379.
gnomAD v4.1: 351 of 1,613,916 alleles (0.022%); highest among the groups gnomAD compares: East Asian, 0.62%; no homozygotes.

Submissions (14):

Labcorp Genetics (formerly Invitae), Labcorp
Classification: Benign for Dilated cardiomyopathy 1G; Autosomal recessive limb-girdle muscular dystrophy type 2J. Last evaluated: 2026-02-02. Review status: criteria provided, single submitter. Criteria: Invitae Variant Classification Sherloc (09022015). Collection method: clinical testing. Allele origin: germline.

CeGaT Center for Human Genetics Tuebingen
Classification: Likely benign. Last evaluated: 2025-08-01. Review status: criteria provided, single submitter. Criteria: CeGaT Center For Human Genetics Tuebingen Variant Classification Criteria Version 2. Collection method: clinical testing. Allele origin: germline. Affected: yes. Observed: 1 variant allele.
Comment: TTN: BS1

Molecular Diagnostic Laboratory for Inherited Cardiovascular Disease, Montreal Heart Institute
Classification: Likely benign. Last evaluated: 2025-04-09. Review status: criteria provided, single submitter. Criteria: ACMG Guidelines, 2015. Collection method: clinical testing. Allele origin: germline. Affected: no.

Blueprint Genetics
Classification: Likely benign. Last evaluated: 2024-10-23. Review status: criteria provided, single submitter. Criteria: ACMG Guidelines, 2015. Collection method: clinical testing. Allele origin: germline.

CHEO Genetics Diagnostic Laboratory, Children's Hospital of Eastern Ontario
Classification: Benign for Cardiomyopathy. Last evaluated: 2022-05-06. Review status: criteria provided, single submitter. Criteria: ACMG Guidelines, 2015. Collection method: clinical testing. Allele origin: germline.

Illumina Laboratory Services, Illumina
Classification: Benign for Tibial muscular dystrophy. Last evaluated: 2018-01-09. Review status: criteria provided, single submitter. Criteria: ICSL Variant Classification Criteria 13 December 2019. Collection method: clinical testing. Allele origin: germline.
Comment: This variant was observed as part of a predisposition screen in an ostensibly healthy population. A literature search was performed for the gene, cDNA change, and amino acid change (where applicable). No publications were found based on this search. Allele frequency data from public databases was too high to be consistent with this variant causing disease. Therefore, this variant is classified as benign.

Illumina Laboratory Services, Illumina
Classification: Uncertain significance for Autosomal recessive limb-girdle muscular dystrophy type 2J. Last evaluated: 2018-01-09. Review status: criteria provided, single submitter. Criteria: ICSL Variant Classification Criteria 13 December 2019. Collection method: clinical testing. Allele origin: germline.

Illumina Laboratory Services, Illumina
Classification: Benign for Dilated cardiomyopathy 1G. Last evaluated: 2018-01-09. Review status: criteria provided, single submitter. Criteria: ICSL Variant Classification Criteria 13 December 2019. Collection method: clinical testing. Allele origin: germline.
Comment: This variant was observed as part of a predisposition screen in an ostensibly healthy population. A literature search was performed for the gene, cDNA change, and amino acid change (where applicable). Publications were found based on this search. The evidence from the literature, in combination with allele frequency data from public databases where available, was sufficient to rule this variant out of causing disease. Therefore, this variant is classified as benign.

Illumina Laboratory Services, Illumina
Classification: Benign for Myopathy, myofibrillar, 9, with early respiratory failure. Last evaluated: 2018-01-09. Review status: criteria provided, single submitter. Criteria: ICSL Variant Classification Criteria 13 December 2019. Collection method: clinical testing. Allele origin: germline.
Comment: the same text as in the submission from Illumina Laboratory Services, Illumina above.

Illumina Laboratory Services, Illumina
Classification: Uncertain significance for Early-onset myopathy with fatal cardiomyopathy. Last evaluated: 2018-01-09. Review status: criteria provided, single submitter. Criteria: ICSL Variant Classification Criteria 13 December 2019. Collection method: clinical testing. Allele origin: germline.

Ambry Genetics
Classification: Benign for Cardiovascular phenotype. Last evaluated: 2017-07-19. Review status: criteria provided, single submitter. Criteria: Ambry Variant Classification Scheme 2023. Collection method: clinical testing. Allele origin: germline.

Center for Advanced Laboratory Medicine, UC San Diego Health, University of California San Diego
Classification: Likely benign for Hypertrophic cardiomyopathy. Last evaluated: 2017-07-06. Review status: criteria provided, single submitter. Criteria: ACMG Guidelines, 2015. Collection method: clinical testing. Allele origin: germline. Affected: yes. Observed: 2 variant alleles.

GeneDx
Classification: Benign. Last evaluated: 2014-04-02. Review status: criteria provided, single submitter. Criteria: GeneDx Variant Classification (06012015). Collection method: clinical testing. Allele origin: germline. Affected: yes.
Comment: This variant is considered likely benign or benign based on one or more of the following criteria: it is a conservative change, it occurs at a poorly conserved position in the protein, it is predicted to be benign by multiple in silico algorithms, and/or has population frequency not consistent with disease.

Biesecker Lab/Clinical Genomics Section, National Institutes of Health
Classification: Uncertain significance. Last evaluated: 2013-06-24. Review status: criteria provided, single submitter. Criteria: Ng et al. (Circ Cardiovasc Genet. 2013). Collection method: research. Allele origin: unknown. Observed: 1 variant allele. Study: ClinSeq.
Comment: The study set was not selected for affection status in relation to any cancer. Pathogenicity categories were based on literature curation. See Pubmed ID:23861362 for details.

Medical sequencing

Literature cited by the submitters: PubMed 23861362 (cited by Illumina Laboratory Services, Illumina).

NM_001267550.2(TTN):c.10163G>A (p.Arg3388Gln)

Gene: TTN (titin; minus strand). Cytogenetic location: 2q31.2.
Variant type: single nucleotide variant.
Coding change: c.10163G>A on transcript NM_001267550.2 (MANE Select); coding-DNA position 10163, G replaced by A.
Protein change: p.Arg3388Gln; replaces arginine 3388 with glutamine.
Molecular consequence: missense variant.
Genome position (GRCh38, 1-based): chr2:178,759,124, C>T on the plus strand (G>A on the coding strand, the complement: TTN is on the minus strand). VCF-style: chr2-178759124-C-T. GRCh37 (hg19) VCF-style: chr2-179623851-C-T.
Other names: p.R3388Q:CGG>CAG; c.10163G>A, p.Arg3388Gln (NM_001256850.1, NM_133378.4, NM_133379.5); c.10025G>A, p.Arg3342Gln (NM_003319.4, NM_133432.3, NM_133437.4); short protein forms R3388Q, R3342Q.
Identifiers: ClinVar variation 137831 (VCV000137831.40), dbSNP rs187703540, ClinGen allele CA232527.